The following is an entry in ClinVar:

NM_014915.3(ANKRD26):c.4760T>G (p.Leu1587Arg)

Gene: ANKRD26 (ankyrin repeat domain 26; minus strand). Cytogenetic location: 10p12.1.
Variant type: single nucleotide variant.
Coding change: c.4760T>G on transcript NM_014915.3 (MANE Select); coding-DNA position 4760, T replaced by G.
Protein change: p.Leu1587Arg; replaces leucine 1587 with arginine.
Molecular consequence: missense variant.
Genome position (GRCh38, 1-based): chr10:27,013,075, A>C on the plus strand (T>G on the coding strand, the complement: ANKRD26 is on the minus strand). VCF-style: chr10-27013075-A-C. GRCh37 (hg19) VCF-style: chr10-27302004-A-C.
Other names: c.4757T>G, p.Leu1586Arg (NM_001256053.2); short protein forms L1586R, L1587R.
Identifiers: ClinVar variation 5022791 (VCV005022791.1).

ClinVar aggregate classification (germline): Uncertain significance (1 of 4 stars; one submission).

Conditions:
Inborn genetic diseases. Identifiers: MedGen C0950123, MeSH D030342.

Submission:

Ambry Genetics
Classification: Uncertain significance for Inborn genetic diseases. Last evaluated: 2026-06-18. Review status: criteria provided, single submitter. Criteria: Ambry Variant Classification Scheme 2023. Collection method: clinical testing. Allele origin: germline.
Comment: The p.L1587R variant (also known as c.4760T>G), located in coding exon 32 of the ANKRD26 gene, results from a T to G substitution at nucleotide position 4760. The leucine at codon 1587 is replaced by arginine, an amino acid with dissimilar properties. This amino acid position is conserved. In addition, the in silico prediction for this alteration is inconclusive. Based on the available evidence, the clinical significance of this variant remains unclear.